The following is an entry in ClinVar:

NM_017635.5(KMT5B):c.1810A>G (p.Lys604Glu)

Gene: KMT5B (lysine methyltransferase 5B; minus strand). Cytogenetic location: 11q13.2.
Variant type: single nucleotide variant.
Coding change: c.1810A>G on transcript NM_017635.5 (MANE Select); coding-DNA position 1810, A replaced by G.
Protein change: p.Lys604Glu; replaces lysine 604 with glutamic acid.
Molecular consequence: missense variant.
Genome position (GRCh38, 1-based): chr11:68,158,536, T>C on the plus strand (A>G on the coding strand, the complement: KMT5B is on the minus strand). VCF-style: chr11-68158536-T-C. GRCh37 (hg19) VCF-style: chr11-67926003-T-C.
Other names: c.1090A>G, p.Lys364Glu (NM_001300908.2); c.1810A>G, p.Lys604Glu (NM_001369426.1); c.1294A>G, p.Lys432Glu (NM_001369428.1, NM_001369429.1, NM_001369430.1 and 4 more transcripts); short protein forms K364E, K432E, K604E.
Identifiers: ClinVar variation 3388346 (VCV003388346.14).

ClinVar aggregate classification (germline): Likely benign (1 of 4 stars; one submission).

Submission:

CeGaT Center for Human Genetics Tuebingen
Classification: Likely benign. Last evaluated: 2024-09-01. Review status: criteria provided, single submitter. Criteria: CeGaT Center For Human Genetics Tuebingen Variant Classification Criteria Version 2. Collection method: clinical testing. Allele origin: germline. Affected: yes. Observed: 1 variant allele.
Comment: KMT5B: BP4